The following is an entry in ClinVar:

ClinVar aggregate classification (germline): Pathogenic/Likely pathogenic. Review status: criteria provided, multiple submitters, no conflicts (2 of 4 stars). 4 submissions from 4 submitters: Pathogenic (1); Likely pathogenic (2). 1 of the submissions does not count toward it. Last evaluated 2025-02-03.

Conditions:
NOTCH3-related disorder. Also called: NOTCH3-related disorders; NOTCH3-related condition.

gnomAD v4.1: 2 of 1,614,088 alleles (0.00012%); highest among the groups gnomAD compares: Non-Finnish European, 0.00017%; no homozygotes.

Submissions (4):

Labcorp Genetics (formerly Invitae), Labcorp
Classification: Likely pathogenic. Last evaluated: 2025-02-03. Review status: criteria provided, single submitter. Criteria: Invitae Variant Classification Sherloc (09022015). Collection method: clinical testing. Allele origin: germline.
Comment: This sequence change replaces glycine, which is neutral and non-polar, with cysteine, which is neutral and slightly polar, at codon 382 of the NOTCH3 protein (p.Gly382Cys). This variant is not present in population databases (gnomAD no frequency). This missense change has been observed in individuals with clinical features of CADASIL (internal data). ClinVar contains an entry for this variant (Variation ID: 1372978). Invitae Evidence Modeling of protein sequence and biophysical properties (such as structural, functional, and spatial information, amino acid conservation, physicochemical variation, residue mobility, and thermodynamic stability) indicates that this missense variant is expected to disrupt NOTCH3 protein function with a positive predictive value of 95%. In summary, the currently available evidence indicates that the variant is pathogenic, but additional data are needed to prove that conclusively. Therefore, this variant has been classified as Likely Pathogenic.

Athena Diagnostics
Classification: Pathogenic. Last evaluated: 2024-03-04. Review status: criteria provided, single submitter. Criteria: Athena Diagnostics Criteria. Collection method: clinical testing. Allele origin: unknown.
Comment: This variant has been identified in at least one individual with clinical features associated with CADASIL. This variant has not been reported in large, multi-ethnic general populations. This variant alters a critical location within the protein, and is expected to severely affect function and cause disease. Greater than 90% of NOTCH3 pathogenic variants associated with CADASIL involve the gain or loss of a cysteine residue within the epidermal growth factor (EGF)-like repeat domain (PMID: 32457593, 20301673).

Blueprint Genetics
Classification: Likely pathogenic for NOTCH3-related disorders. Last evaluated: 2023-10-19. Review status: criteria provided, single submitter. Criteria: ACMG Guidelines, 2015. Collection method: clinical testing. Allele origin: germline. Affected: yes. Observed: 2 variant alleles.

PreventionGenetics, part of Exact Sciences
Classification: Likely pathogenic for NOTCH3-related condition. Last evaluated: 2024-04-03. Review status: no assertion criteria provided. Collection method: clinical testing. Allele origin: germline. Not counted in ClinVar's aggregate classification.
Comment: The NOTCH3 c.1144G>T variant is predicted to result in the amino acid substitution p.Gly382Cys. This variant was reported in two individuals with CADASIL (Oberstein et al. 2003. PubMed ID: 14710716; Mukai et al. 2020. PubMed ID: 32277177). This variant has not been reported in a large population database, indicating this variant is rare. Most CADASIL causing variants in the NOTCH3 gene result in the gain or loss of one or more cysteine residues in the extracellular domain of the protein, as seen in this patient. This variant results in the gain of a cysteine residue and is located in the extracellular EGF-like domain 9. Pathogenic variants in EGF-like domains 1-6 appear to be fully penetrant and are usually associated with the classical CADASIL phenotype. However, there is variability in disease severity. Pathogenic variants in EGF-like domains 7-34 have a much higher population frequency, and can predispose to a milder small-vessel disease, possibly even displaying incomplete or at least very late onset complete penetrance (OMIM #125310; Rutten et al. 2016. PubMed ID: 27844030; Rutten et al. 2019. PubMed ID: 30032161). This variant is interpreted as likely pathogenic.

Literature cited by the submitters: PubMed 32277177 (cited by Athena Diagnostics); PubMed 14710716 (cited by Athena Diagnostics); PubMed 12821764 (cited by Athena Diagnostics).

NM_000435.3(NOTCH3):c.1144G>T (p.Gly382Cys)

Gene: NOTCH3 (notch receptor 3; minus strand). Cytogenetic location: 19p13.12.
Variant type: single nucleotide variant.
Coding change: c.1144G>T on transcript NM_000435.3 (MANE Select); coding-DNA position 1144, G replaced by T.
Protein change: p.Gly382Cys; replaces glycine 382 with cysteine.
Molecular consequence: missense variant.
Genome position (GRCh38, 1-based): chr19:15,189,321, C>A on the plus strand (G>T on the coding strand, the complement: NOTCH3 is on the minus strand). VCF-style: chr19-15189321-C-A. GRCh37 (hg19) VCF-style: chr19-15300132-C-A.
Other names: c.1144G>T (NM_000435.2); short protein forms G382C.
Identifiers: ClinVar variation 1372978 (VCV001372978.9), dbSNP rs2145437046, ClinGen allele CA404529131.
Genomic context (GRCh38, chr19:15,189,321, plus strand): 5'-AGCTCCCCTCACCGATAGAGCACTCGTCCACATCCTGGTCACATGCCCCACCCGTGAAGC[C>A]GGGAGGACAGGTGCAAATGGCCCGGCCGTTCACCGGATTTGTGTCACAGATAGCATCCTC-3'
Protein context (NP_000426.2, residues 372-392): NGRAICTCPP[Gly382Cys]FTGGACDQDV